The following is an entry in ClinVar:

ClinVar aggregate classification (germline): Benign. Review status: criteria provided, single submitter (1 of 4 stars). 2 submissions from 2 submitters: Benign (1). 1 of the submissions does not count toward it. Last evaluated 2025-05-14.

Conditions:
Dextro-looped transposition of the great arteries. Also called: Dextrotransposition of the great arteries. Identifiers: Orphanet 860, MedGen C3531771, MONDO:0019443, OMIM 608808, HP:0031348.

gnomAD v4.1: 56 of 1,613,576 alleles (0.0035%); highest among the groups gnomAD compares: Non-Finnish European, 0.001%; no homozygotes.

Submissions (2):

Labcorp Genetics (formerly Invitae), Labcorp
Classification: Benign for Dextro-looped transposition of the great arteries. Last evaluated: 2025-05-14. Review status: criteria provided, single submitter. Criteria: Invitae Variant Classification Sherloc (09022015). Collection method: clinical testing. Allele origin: germline.

Department of Pathology and Laboratory Medicine, Sinai Health System
Classification: Uncertain significance. Review status: no assertion criteria provided. Collection method: clinical testing. Allele origin: unknown. Affected: yes. Study: The Canadian Open Genetics Repository (COGR). Not counted in ClinVar's aggregate classification.
Comment: The MED13L p.Pro331Pro variant was not identified in the literature nor was it identified in ClinVar, ClinVitae, Cosmic, or LOVD 3.0. The variant was identified in dbSNP (ID: rs780190117) and in control databases in 17 of 250582 chromosomes at a frequency of 0.000068 (Genome Aggregation Database Feb 27, 2017). The variant was observed in the following populations: Ashkenazi Jewish in 14 of 10038 chromosomes (freq: 0.001395) and European (non-Finnish) in 3 of 113232 chromosomes (freq: 0.000026); it was not observed in the African, Latino, East Asian, European (Finnish), Other, and South Asian populations. The p.Pro331Pro variant is not expected to have clinical significance because it does not result in a change of amino acid and is not located in a known consensus splice site. However, 3 of 4 in silico or computational prediction software programs (SpliceSiteFinder, MaxEntScan, NNSPLICE, GeneSplicer) predict a greater than 10% difference in splicing. However, this information is not predictive enough to assume pathogenicity. In summary, based on the above information the clinical significance of this variant cannot be determined with certainty at this time. This variant is classified as a variant of uncertain significance.

NM_015335.5(MED13L):c.993A>G (p.Pro331=)

Gene: MED13L (mediator complex subunit 13L; minus strand). Cytogenetic location: 12q24.21.
Variant type: single nucleotide variant.
Coding change: c.993A>G on transcript NM_015335.5 (MANE Select); coding-DNA position 993, A replaced by G.
Protein change: p.Pro331=; no amino-acid change (proline 331 retained).
Molecular consequence: synonymous variant.
Genome position (GRCh38, 1-based): chr12:116,019,240, T>C on the plus strand (A>G on the coding strand, the complement: MED13L is on the minus strand). VCF-style: chr12-116019240-T-C. GRCh37 (hg19) VCF-style: chr12-116457045-T-C.
Identifiers: ClinVar variation 1049765 (VCV001049765.4), dbSNP rs780190117, ClinGen allele CA6811540.
Genomic context (GRCh38, chr12:116,019,240, plus strand): 5'-GTCTGAGATCTCTTCTCCCCAGGACACTCCTGGATCCTACTCACCTAGGATAGCCTGTTC[T>C]GGAGAGGTGGGAGGGGTCAGAGGCATCCCACAGTTACTTGGGTCCTTCACACTACCAAGC-3'
Protein context (NP_056150.1, residues 321-341): CGMPLTPPTS[Pro331=]EQAILGESGG